The following is an entry in ClinVar:

ClinVar aggregate classification (germline): Pathogenic (1 of 4 stars; one submission).

Conditions:
Hao-Fountain syndrome (HAFOUS). Identifiers: Orphanet 643549, MedGen C5393908, MONDO:0014805.

Submission:

Women's Health and Genetics/Laboratory Corporation of America, LabCorp
Classification: Pathogenic for Hao-Fountain syndrome. Last evaluated: 2025-11-18. Review status: criteria provided, single submitter. Criteria: LabCorp Variant Classification Summary - May 2015. Collection method: clinical testing. Allele origin: germline.
Comment: Variant summary: The variant involves the deletion of exon 1 in the USP7 gene. A presumed nomenclature of c.(?_-622)_(79+1_80-1)del has been designated for the purposes of this classification. The exact breakpoint at the 5' end of this variant is unknown, therefore this deletion may extend upstream of the annotated region of this gene. Although the exact breakpoints of this deletion are not known, it is predicted to remove the initiation codon and result in an absence of protein or a truncation of the encoded protein due to translation initiation at a downstream site. Loss-of-function variants in this gene are known to be pathogenic. The variant was absent in 21694 control chromosomes. To our knowledge, no occurrence of c.(?_-622)_(79+1_80-1)del in individuals affected with USP7-related conditions and no experimental evidence demonstrating its impact on protein function have been reported. No submitters have cited clinical-significance assessments for this variant to ClinVar. Based on the evidence outlined above, the variant was classified as pathogenic.

NC_000016.9:g.(9024255_9057063)_(9057764_?)del

Gene: USP7 (ubiquitin specific peptidase 7; minus strand). Cytogenetic location: 16p13.2.
Variant type: Deletion.
Identifiers: ClinVar variation 4537329 (VCV004537329.1).